The following is an entry in ClinVar:

NM_000051.4(ATM):c.1320_1321del (p.Gln441fs)

Gene: ATM (ATM serine/threonine kinase; plus strand). Cytogenetic location: 11q22.3.
Variant type: Microsatellite.
Coding change: c.1320_1321del on transcript NM_000051.4 (MANE Select); coding-DNA positions 1320 to 1321, 2 bases deleted (TC; older notation c.1320_1321delTC).
Protein change: p.Gln441fs; shifts the reading frame from glutamine 441.
Molecular consequence: frameshift variant.
Genome position (GRCh38, 1-based): chr11:108,250,785-108,250,786, TC deleted; deleting any 2 consecutive bases within chr11:108,250,783-108,250,786 gives the same sequence; the c. name uses the placement nearest the transcript's 3' end. VCF-style (leftmost placement, unchanged base first): chr11-108250782-ATC-A. GRCh37 (hg19) VCF-style: chr11-108121509-ATC-A.
Other names: c.1320_1321del, p.Gln441fs (NM_001351834.2); c.1320_1321delTC (NM_000051.3); short protein forms Q441fs.
Identifiers: ClinVar variation 524288 (VCV000524288.5), dbSNP rs1555070745, ClinGen allele CA658797787.

ClinVar aggregate classification (germline): Pathogenic (1 of 4 stars; one submission).

Conditions:
Ataxia-telangiectasia syndrome (AT). Also called: ATAXIA-TELANGIECTASIA, COMPLEMENTATION GROUP A; ATAXIA-TELANGIECTASIA, FRESNO VARIANT; Ataxia-telangiectasia; Ataxia-telangiectasia, complementation group D; AT, COMPLEMENTATION GROUP C; Ataxia-telangiectasia, complementation group E. Identifiers: Orphanet 100, MedGen C0004135, MONDO:0008840, OMIM 208900.

Submission:

Labcorp Genetics (formerly Invitae), Labcorp
Classification: Pathogenic for Ataxia-telangiectasia syndrome. Last evaluated: 2022-12-02. Review status: criteria provided, single submitter. Criteria: Invitae Variant Classification Sherloc (09022015). Collection method: clinical testing. Allele origin: germline.
Comment: For these reasons, this variant has been classified as Pathogenic. ClinVar contains an entry for this variant (Variation ID: 524288). This variant has not been reported in the literature in individuals affected with ATM-related conditions. This variant is not present in population databases (gnomAD no frequency). This sequence change creates a premature translational stop signal (p.Gln441Alafs*45) in the ATM gene. It is expected to result in an absent or disrupted protein product. Loss-of-function variants in ATM are known to be pathogenic (PMID: 23807571, 25614872).

Literature cited by the submitters: PubMed 23807571; PubMed 25614872.